The following is an entry in ClinVar:

Single allele

Gene: ENG (endoglin; minus strand). Cytogenetic location: 9q34.11.
Variant type: Deletion.
Identifiers: ClinVar variation 1120156 (VCV001120156.5).

ClinVar aggregate classification (germline): Pathogenic (1 of 4 stars; one submission).

Conditions:
Telangiectasia, hereditary hemorrhagic, type 1 (HHT1). Also called: Osler Weber Rendu syndrome type 1; ENG-Related Hereditary Hemorrhagic Telangiectasia. Identifiers: Orphanet 774, MedGen C4551861, MONDO:0008535, OMIM 187300. Disease mechanism: loss of function.

Submission:

Mayo Clinic Laboratories, Mayo Clinic
Classification: Pathogenic for Telangiectasia, hereditary hemorrhagic, type 1. Last evaluated: 2021-03-11. Review status: criteria provided, single submitter. Criteria: ACMG Guidelines, 2015. Collection method: clinical testing. Allele origin: germline. Affected: yes. Observed: 1 variant allele.
Comment: An out-of-frame deletion of exon 2 of the ENG gene. PVS1, PS4_moderate, PM2_supporting

Literature cited by the submitters: PubMed 20414677.